The following is an entry in ClinVar:

NM_198525.3(KIF7):c.3202C>T (p.Arg1068Trp)

Gene: KIF7 (kinesin family member 7; minus strand). Cytogenetic location: 15q26.1.
Variant type: single nucleotide variant.
Coding change: c.3202C>T on transcript NM_198525.3 (MANE Select); coding-DNA position 3202, C replaced by T.
Protein change: p.Arg1068Trp; replaces arginine 1068 with tryptophan.
Molecular consequence: missense variant.
Genome position (GRCh38, 1-based): chr15:89,630,403, G>A on the plus strand (C>T on the coding strand, the complement: KIF7 is on the minus strand). VCF-style: chr15-89630403-G-A. GRCh37 (hg19) VCF-style: chr15-90173634-G-A.
Other names: short protein forms R1068W.
Identifiers: ClinVar variation 531999 (VCV000531999.26), dbSNP rs147191956, ClinGen allele CA7727798.
Genomic context (GRCh38, chr15:89,630,403, plus strand): 5'-GCTTGGCCATGAGGTTCATCTCGCACTGGGACAGCAACGAGGCTGAGGCCCGAAGCACCC[G>A]CTGGCGGCATGTGATGGCCTCATTCTTATACTCAATGGCAGCATCCAGGGCCTCGATGGC-3'
Protein context (NP_940927.2, residues 1058-1078): YKNEAITCRQ[Arg1068Trp]VLRASASLLS

ClinVar aggregate classification (germline): Conflicting classifications of pathogenicity. Review status: criteria provided, conflicting classifications (1 of 4 stars). 6 submissions from 6 submitters: Uncertain significance (2); Benign (1); Likely benign (2). 1 of the submissions does not count toward it. Last evaluated 2026-03-01.

Conditions:
KIF7-related disorder. Also called: KIF7-related condition.
Acrocallosal syndrome (ACLS). Also called: HALLUX DUPLICATION, POSTAXIAL POLYDACTYLY, AND ABSENCE OF CORPUS CALLOSUM; Schinzel syndrome 1; Absence of corpus callosum with unusual facial appearance, mental deficiency, duplication of the halluces and polydactyly. Identifiers: Orphanet 36, MedGen C0796147, MONDO:0008708, OMIM 200990.

Allele frequency attached by ClinVar (database versions not stated): 1000 Genomes Project 30x 0.00016; 1000 Genomes Project 0.00020; TOPMed 0.00022; ESP Exome Variant Server 0.00023; gnomAD 0.00026 and 0.00028; gnomAD exomes 0.00031 and 0.00042; ExAC 0.00060.
gnomAD v4.1: 511 of 1,611,870 alleles (0.032%); highest among the groups gnomAD compares: Middle Eastern, 0.18%; 5 homozygotes.

Submissions (6):

CeGaT Center for Human Genetics Tuebingen
Classification: Likely benign. Last evaluated: 2026-03-01. Review status: criteria provided, single submitter. Criteria: CeGaT Center For Human Genetics Tuebingen Variant Classification Criteria Version 2. Collection method: clinical testing. Allele origin: germline. Affected: yes. Observed: 1 variant allele.
Comment: KIF7: BS1

Labcorp Genetics (formerly Invitae), Labcorp
Classification: Benign for Acrocallosal syndrome. Last evaluated: 2026-01-14. Review status: criteria provided, single submitter. Criteria: Invitae Variant Classification Sherloc (09022015). Collection method: clinical testing. Allele origin: germline.

Blueprint Genetics
Classification: Likely benign. Last evaluated: 2024-11-22. Review status: criteria provided, single submitter. Criteria: ACMG Guidelines, 2015. Collection method: clinical testing. Allele origin: germline.

GeneDx
Classification: Uncertain significance. Last evaluated: 2020-01-23. Review status: criteria provided, single submitter. Criteria: GeneDx Variant Classification Process June 2021. Collection method: clinical testing. Allele origin: germline. Affected: yes.
Comment: Identified as a single heterozygous variant in an individual with Bardet-Biedl syndrome who also harbored two frameshift variants in the BBS9 gene (Putoux et al., 2011); Identified in an individual with a favorable disease course as part of a study evaluating genetic variants in individuals with favorable or poor disease course after sepsis (Taudien et al., 2016); In silico analysis, which includes protein predictors and evolutionary conservation, supports a deleterious effect; This variant is associated with the following publications: (PMID: 21552264, 27639823)

Illumina Laboratory Services, Illumina
Classification: Uncertain significance for Acrocallosal syndrome. Last evaluated: 2017-04-27. Review status: criteria provided, single submitter. Criteria: ICSL Variant Classification Criteria 13 December 2019. Collection method: clinical testing. Allele origin: germline.
Comment: This variant was observed as part of a predisposition screen in an ostensibly healthy population. A literature search was performed for the gene, cDNA change, and amino acid change (where applicable). Publications were found based on this search. However, the evidence from the literature, in combination with allele frequency data from public databases where available, was not sufficient to rule this variant in or out of causing disease. Therefore, this variant is classified as a variant of unknown significance.

PreventionGenetics, part of Exact Sciences
Classification: Likely benign for KIF7-related condition. Last evaluated: 2020-12-23. Review status: no assertion criteria provided. Collection method: clinical testing. Allele origin: germline. Not counted in ClinVar's aggregate classification.
Comment: This variant is classified as likely benign based on ACMG/AMP sequence variant interpretation guidelines (Richards et al. 2015 PMID: 25741868, with internal and published modifications).

Literature cited by the submitters: PubMed 21552264 (cited by Illumina Laboratory Services, Illumina).